The following is an entry in ClinVar:

ClinVar aggregate classification (germline): Pathogenic (1 of 4 stars; one submission).

Submission:

Labcorp Genetics (formerly Invitae), Labcorp
Classification: Pathogenic. Last evaluated: 2020-12-04. Review status: criteria provided, single submitter. Criteria: Invitae Variant Classification Sherloc (09022015). Collection method: clinical testing. Allele origin: germline.
Comment: For these reasons, this variant has been classified as Pathogenic. This variant has not been reported in the literature in individuals with PCDH15-related conditions. This variant is not present in population databases (ExAC no frequency). This sequence change creates a premature translational stop signal (p.Ser392Ilefs*29) in the PCDH15 gene. It is expected to result in an absent or disrupted protein product. Loss-of-function variants in PCDH15 are known to be pathogenic (PMID: 11398101, 11487575, 14570705).

Literature cited by the submitters: PubMed 11398101; PubMed 11487575; PubMed 14570705.

NM_001384140.1(PCDH15):c.1175del (p.Ser392fs)

Gene: PCDH15 (protocadherin related 15; minus strand). Cytogenetic location: 10q21.1.
Variant type: Deletion.
Coding change: c.1175del on transcript NM_001384140.1 (MANE Select); coding-DNA position 1175, one base deleted (G; older notation c.1175delG).
Protein change: p.Ser392fs; shifts the reading frame from serine 392.
Molecular consequence: frameshift variant.
Genome position (GRCh38, 1-based): chr10:54,195,813, C deleted on the plus strand (G on the coding strand, the reverse complement: PCDH15 is on the minus strand). VCF-style (leftmost placement, unchanged base first): chr10-54195812-AC-A. GRCh37 (hg19) VCF-style: chr10-55955572-AC-A.
Other names: c.1190del, p.Ser397fs (NM_001142763.2, NM_001142771.2); c.1175del, p.Ser392fs (NM_001142764.2, NM_001142765.2, NM_001142766.2 and 7 more transcripts); c.1064del, p.Ser355fs (NM_001142767.2); c.1109del, p.Ser370fs (NM_001142768.2, NM_001142773.2, NM_001354404.2); c.1190delG, p.Ser397Ilefs (NM_001142769.4); short protein forms S397fs, S370fs, S392fs, S355fs.
Identifiers: ClinVar variation 1454921 (VCV001454921.6), dbSNP rs2133924837, ClinGen allele CA2573145139.